The following is an entry in ClinVar:

ClinVar aggregate classification (germline): Uncertain significance. Review status: criteria provided, multiple submitters, no conflicts (2 of 4 stars). 2 submissions from 2 submitters: Uncertain significance (2). Last evaluated 2026-04-22.

Conditions:
Hereditary cancer-predisposing syndrome. Also called: Tumor predisposition; Hereditary Cancer Syndrome; Neoplastic Syndromes, Hereditary; Hereditary neoplastic syndrome. Identifiers: Orphanet 140162, MedGen C0027672, MeSH D009386, MONDO:0015356.

Allele frequency attached by ClinVar (database versions not stated): TOPMed 0.00001.

Submissions (2):

Ambry Genetics
Classification: Uncertain significance for Hereditary cancer-predisposing syndrome. Last evaluated: 2026-04-22. Review status: criteria provided, single submitter. Criteria: Ambry Variant Classification Scheme 2023. Collection method: clinical testing. Allele origin: germline.
Comment: The p.E1202K variant (also known as c.3604G>A), located in coding exon 30 of the POLE gene, results from a G to A substitution at nucleotide position 3604. The glutamic acid at codon 1202 is replaced by lysine, an amino acid with similar properties. This amino acid position is conserved. In addition, this alteration is predicted to be tolerated by in silico analysis. Based on the available evidence, the clinical significance of this variant remains unclear.

Labcorp Genetics (formerly Invitae), Labcorp
Classification: Uncertain significance. Last evaluated: 2022-07-25. Review status: criteria provided, single submitter. Criteria: Invitae Variant Classification Sherloc (09022015). Collection method: clinical testing. Allele origin: germline.
Comment: In summary, the available evidence is currently insufficient to determine the role of this variant in disease. Therefore, it has been classified as a Variant of Uncertain Significance. Algorithms developed to predict the effect of missense changes on protein structure and function (SIFT, PolyPhen-2, Align-GVGD) all suggest that this variant is likely to be tolerated. ClinVar contains an entry for this variant (Variation ID: 573895). This variant has not been reported in the literature in individuals affected with POLE-related conditions. This variant is not present in population databases (gnomAD no frequency). This sequence change replaces glutamic acid, which is acidic and polar, with lysine, which is basic and polar, at codon 1202 of the POLE protein (p.Glu1202Lys).

NM_006231.4(POLE):c.3604G>A (p.Glu1202Lys)

Gene: POLE (DNA polymerase epsilon, catalytic subunit; minus strand). Cytogenetic location: 12q24.33.
Variant type: single nucleotide variant.
Coding change: c.3604G>A on transcript NM_006231.4 (MANE Select); coding-DNA position 3604, G replaced by A.
Protein change: p.Glu1202Lys; replaces glutamic acid 1202 with lysine.
Molecular consequence: missense variant.
Genome position (GRCh38, 1-based): chr12:132,649,868, C>T on the plus strand (G>A on the coding strand, the complement: POLE is on the minus strand). VCF-style: chr12-132649868-C-T. GRCh37 (hg19) VCF-style: chr12-133226454-C-T.
Other names: c.3604G>A (NM_006231.2); short protein forms E1202K.
Identifiers: ClinVar variation 573895 (VCV000573895.8), dbSNP rs1565946881, ClinGen allele CA387387019.